The following is an entry in ClinVar:

NM_013352.4(DSE):c.1612C>G (p.Arg538Gly)

Gene: DSE (dermatan sulfate epimerase; plus strand). Cytogenetic location: 6q22.1.
Variant type: single nucleotide variant.
Coding change: c.1612C>G on transcript NM_013352.4 (MANE Select); coding-DNA position 1612, C replaced by G.
Protein change: p.Arg538Gly; replaces arginine 538 with glycine.
Molecular consequence: missense variant. On other transcripts: 3 prime UTR variant (2), non-coding transcript variant (1).
Genome position (GRCh38, 1-based): chr6:116,436,080, C>G. VCF-style: chr6-116436080-C-G. GRCh37 (hg19) VCF-style: chr6-116757243-C-G.
Other names: c.1612C>G, p.Arg538Gly (NM_001080976.3, NM_001322937.2, NM_001322938.2); c.1669C>G, p.Arg557Gly (NM_001322939.2); c.1051C>G, p.Arg351Gly (NM_001322940.2, NM_001322941.2); c.*477C>G (NM_001322943.2, NM_001322944.2); c.613C>G, p.Arg205Gly (NM_001374520.1); c.577C>G, p.Arg193Gly (NM_001374521.1); short protein forms R351G, R557G, R193G, R538G, R205G.
Identifiers: ClinVar variation 2750665 (VCV002750665.3), dbSNP rs1280479759, ClinGen allele CA365402469.
Genomic context (GRCh38, chr6:116,436,080, plus strand): 5'-GCAGCTAGTTGTCAGGGGAGGGTGGTTGCAGCAGAGGAGAAAAATGGGGTGGTTTTCATC[C>G]GAGGAGAAGGTGTGGGAGCTTATAACCCCCAGCTCAACCTGAAGAATGTTCAGAGGAATC-3'
Protein context (NP_037484.1, residues 528-548): AEEKNGVVFI[Arg538Gly]GEGVGAYNPQ

ClinVar aggregate classification (germline): Uncertain significance (1 of 4 stars; one submission).

Conditions:
Ehlers-Danlos syndrome, musculocontractural type 2 (EDSMC2). Identifiers: Orphanet 2953, MedGen C3809845, MONDO:0014236, OMIM 615539.

Submission:

Labcorp Genetics (formerly Invitae), Labcorp
Classification: Uncertain significance for Ehlers-Danlos syndrome, musculocontractural type 2. Last evaluated: 2023-09-18. Review status: criteria provided, single submitter. Criteria: Invitae Variant Classification Sherloc (09022015). Collection method: clinical testing. Allele origin: germline.
Comment: In summary, the available evidence is currently insufficient to determine the role of this variant in disease. Therefore, it has been classified as a Variant of Uncertain Significance. Advanced modeling of protein sequence and biophysical properties (such as structural, functional, and spatial information, amino acid conservation, physicochemical variation, residue mobility, and thermodynamic stability) performed at Invitae indicates that this missense variant is not expected to disrupt DSE protein function. This variant has not been reported in the literature in individuals affected with DSE-related conditions. This variant is not present in population databases (gnomAD no frequency). This sequence change replaces arginine, which is basic and polar, with glycine, which is neutral and non-polar, at codon 538 of the DSE protein (p.Arg538Gly).